The following is an entry in ClinVar:

ClinVar aggregate classification (germline): Pathogenic. Review status: criteria provided, multiple submitters, no conflicts (2 of 4 stars). 2 submissions from 2 submitters: Pathogenic (2). Last evaluated 2026-09-02.

Conditions:
Hereditary cancer-predisposing syndrome. Also called: Tumor predisposition; Hereditary Cancer Syndrome; Hereditary neoplastic syndrome; Neoplastic Syndromes, Hereditary. Identifiers: Orphanet 140162, MedGen C0027672, MeSH D009386, MONDO:0015356.
Cardiovascular phenotype. Identifiers: MedGen CN230736.
Neurofibromatosis, type 1 (NF1). Also called: NEUROFIBROMATOSIS, TYPE I, SOMATIC; Peripheral type neurofibromatosis; VON RECKLINGHAUSEN DISEASE; Neurofibromatosis, type I. Identifiers: Orphanet 636, MedGen C0027831, MONDO:0018975, OMIM 162200. Disease mechanism: loss of function.

Submissions (2):

Ambry Genetics
Classification: Pathogenic for Cardiovascular phenotype; Hereditary cancer-predisposing syndrome. Last evaluated: 2026-09-02. Review status: criteria provided, single submitter. Criteria: Ambry Variant Classification Scheme 2023. Collection method: clinical testing. Allele origin: germline.
Comment: The p.Y49* pathogenic mutation (also known as c.147C>A), located in coding exon 2 of the NF1 gene, results from a C to A substitution at nucleotide position 147. This changes the amino acid from a tyrosine to a stop codon within coding exon 2. This variant was reported in individual(s) with features consistent with neurofibromatosis type 1 (Rekha A et al. Neurol India. 2024 Nov;72:1174-1178; Hern&aacute;ndez-Ram&iacute;rez LC et al. J Clin Endocrinol Metab. 2025 Sep;110:e3283-e3302). This variant is considered to be rare based on population cohorts in the Genome Aggregation Database (gnomAD).This alteration is expected to result in loss of function by premature protein truncation or nonsense-mediated mRNA decay. As such, this alteration is interpreted as a disease-causing mutation.

Labcorp Genetics (formerly Invitae), Labcorp
Classification: Pathogenic for Neurofibromatosis, type 1. Last evaluated: 2025-12-21. Review status: criteria provided, single submitter. Criteria: Invitae Variant Classification Sherloc (09022015). Collection method: clinical testing. Allele origin: germline.
Comment: This sequence change creates a premature translational stop signal (p.Tyr49*) in the NF1 gene. It is expected to result in an absent or disrupted protein product. Loss-of-function variants in NF1 are known to be pathogenic (PMID: 10712197, 23913538). This variant is not present in population databases (gnomAD no frequency). This premature translational stop signal has been observed in individual(s) with clinical features of neurofibromatosis type I (PMID: 10712197, 23913538). Invitae Evidence Modeling of clinical and family history, age, sex, and reported ancestry of multiple individuals with this NF1 variant has been performed. This variant is expected to be pathogenic with a positive predictive value of at least 99%. This is a validated machine learning model that incorporates the clinical features of 1,785,918 individuals referred to our laboratory for NF1 testing. ClinVar contains an entry for this variant (Variation ID: 2114679). For these reasons, this variant has been classified as Pathogenic.

Literature cited by the submitters: PubMed 39690988 (cited by Ambry Genetics); PubMed 39908201 (cited by Ambry Genetics); PubMed 10712197 (cited by Labcorp Genetics (formerly Invitae), Labcorp); PubMed 23913538 (cited by Labcorp Genetics (formerly Invitae), Labcorp).

NM_001042492.3(NF1):c.147C>A (p.Tyr49Ter)

Gene: NF1 (neurofibromin 1; plus strand). Cytogenetic location: 17q11.2.
Variant type: single nucleotide variant.
Coding change: c.147C>A on transcript NM_001042492.3 (MANE Select); coding-DNA position 147, C replaced by A.
Protein change: p.Tyr49Ter; replaces tyrosine 49 with a stop codon.
Molecular consequence: nonsense.
Genome position (GRCh38, 1-based): chr17:31,156,069, C>A. VCF-style: chr17-31156069-C-A. GRCh37 (hg19) VCF-style: chr17-29483087-C-A.
Other names: c.147C>A, p.Tyr49Ter (NM_001128147.3, NM_000267.4); short protein forms Y49*.
Identifiers: ClinVar variation 2114679 (VCV002114679.5), dbSNP rs1597626026, ClinGen allele CA398988470.